The following is an entry in ClinVar:

ClinVar aggregate classification (germline): Uncertain significance (1 of 4 stars; one submission).

gnomAD v4.1: 2 of 1,561,642 alleles (0.00013%); highest among the groups gnomAD compares: Admixed American, 0.0019%; no homozygotes.

Submission:

Labcorp Genetics (formerly Invitae), Labcorp
Classification: Uncertain significance. Last evaluated: 2022-07-19. Review status: criteria provided, single submitter. Criteria: Invitae Variant Classification Sherloc (09022015). Collection method: clinical testing. Allele origin: germline.
Comment: In summary, the available evidence is currently insufficient to determine the role of this variant in disease. Therefore, it has been classified as a Variant of Uncertain Significance. Algorithms developed to predict the effect of missense changes on protein structure and function are either unavailable or do not agree on the potential impact of this missense change (SIFT: "Deleterious"; PolyPhen-2: "Possibly Damaging"; Align-GVGD: "Class C0"). ClinVar contains an entry for this variant (Variation ID: 1506373). This variant has not been reported in the literature in individuals affected with BCL11B-related conditions. The frequency data for this variant in the population databases is considered unreliable, as metrics indicate poor data quality at this position in the gnomAD database. This sequence change replaces proline, which is neutral and non-polar, with histidine, which is basic and polar, at codon 399 of the BCL11B protein (p.Pro399His).

NM_138576.4(BCL11B):c.1196C>A (p.Pro399His)

Gene: BCL11B (BCL11 transcription factor B; minus strand). Cytogenetic location: 14q32.2.
Variant type: single nucleotide variant.
Coding change: c.1196C>A on transcript NM_138576.4 (MANE Select); coding-DNA position 1196, C replaced by A.
Protein change: p.Pro399His; replaces proline 399 with histidine.
Molecular consequence: missense variant.
Genome position (GRCh38, 1-based): chr14:99,175,640, G>T on the plus strand (C>A on the coding strand, the complement: BCL11B is on the minus strand). VCF-style: chr14-99175640-G-T. GRCh37 (hg19) VCF-style: chr14-99641977-G-T.
Other names: c.1193C>A, p.Pro398His (NM_001282237.2); c.980C>A, p.Pro327His (NM_001282238.2); c.983C>A, p.Pro328His (NM_022898.3); short protein forms P327H, P398H, P328H, P399H.
Identifiers: ClinVar variation 1506373 (VCV001506373.8), dbSNP rs774985123, ClinGen allele CA266105994.